The following is an entry in ClinVar:

ClinVar aggregate classification (germline): Conflicting classifications of pathogenicity. Review status: criteria provided, conflicting classifications (1 of 4 stars). 2 submissions from 2 submitters: Pathogenic (1); Uncertain significance (1). Last evaluated 2025-08-11.

Conditions:
Hereditary cancer-predisposing syndrome. Also called: Neoplastic Syndromes, Hereditary; Hereditary neoplastic syndrome; Tumor predisposition; Hereditary Cancer Syndrome. Identifiers: Orphanet 140162, MedGen C0027672, MeSH D009386, MONDO:0015356.

Submissions (2):

Ambry Genetics
Classification: Uncertain significance for Hereditary cancer-predisposing syndrome. Last evaluated: 2025-08-11. Review status: criteria provided, single submitter. Criteria: Ambry Variant Classification Scheme 2023. Collection method: clinical testing. Allele origin: germline.
Comment: The p.Q1332* pathogenic mutation (also known as c.3994C>T), located in coding exon 31 of the POLE gene, results from a C to T substitution at nucleotide position 3994. This changes the amino acid from a glutamine to a stop codon within coding exon 31. This variant is considered to be rare based on population cohorts in the Genome Aggregation Database (gnomAD). This alteration is expected to result in loss of function by premature protein truncation or nonsense-mediated mRNA decay. Although biallelic loss of function of POLE has been associated with autosomal recessive POLE deficiency, haploinsufficiency of POLE has not been established as a mechanism of disease for POLE-related polymerase proofreading-associated polyposis (PPAP) and POLE-related CMMRD-like syndrome. Based on the supporting evidence, this variant is expected to be causative of POLE deficiency when present along with a second pathogenic variant on the other allele; however, its clinical significance for PPAP and POLE-related CMMRD-like syndrome is (unclear).

Labcorp Genetics (formerly Invitae), Labcorp
Classification: Pathogenic. Last evaluated: 2023-04-26. Review status: criteria provided, single submitter. Criteria: Invitae Variant Classification Sherloc (09022015). Collection method: clinical testing. Allele origin: germline.
Comment: For these reasons, this variant has been classified as Pathogenic. This variant has not been reported in the literature in individuals affected with POLE-related conditions. This variant is not present in population databases (gnomAD no frequency). This sequence change creates a premature translational stop signal (p.Gln1332*) in the POLE gene. It is expected to result in an absent or disrupted protein product. Loss-of-function variants in POLE are known to be pathogenic (PMID: 23230001, 25948378, 30503519).

Literature cited by the submitters: PubMed 23230001 (cited by Labcorp Genetics (formerly Invitae), Labcorp); PubMed 25948378 (cited by Labcorp Genetics (formerly Invitae), Labcorp); PubMed 30503519 (cited by Labcorp Genetics (formerly Invitae), Labcorp).

NM_006231.4(POLE):c.3994C>T (p.Gln1332Ter)

Gene: POLE (DNA polymerase epsilon, catalytic subunit; minus strand). Cytogenetic location: 12q24.33.
Variant type: single nucleotide variant.
Coding change: c.3994C>T on transcript NM_006231.4 (MANE Select); coding-DNA position 3994, C replaced by T.
Protein change: p.Gln1332Ter; replaces glutamine 1332 with a stop codon.
Molecular consequence: nonsense.
Genome position (GRCh38, 1-based): chr12:132,649,317, G>A on the plus strand (C>T on the coding strand, the complement: POLE is on the minus strand). VCF-style: chr12-132649317-G-A. GRCh37 (hg19) VCF-style: chr12-133225903-G-A.
Other names: c.3994C>T (NM_006231.2); short protein forms Q1332*.
Identifiers: ClinVar variation 2859654 (VCV002859654.4), dbSNP rs2138604919, ClinGen allele CA387384644.